The following is an entry in ClinVar:

ClinVar aggregate classification (germline): Conflicting classifications of pathogenicity. Review status: criteria provided, conflicting classifications (1 of 4 stars). 4 submissions from 4 submitters: Pathogenic (1); Likely pathogenic (1); Uncertain significance (1). 1 of the submissions does not count toward it. Last evaluated 2026-04-21.

Conditions:
Hereditary cancer-predisposing syndrome. Also called: Tumor predisposition; Hereditary neoplastic syndrome; Neoplastic Syndromes, Hereditary; Hereditary Cancer Syndrome. Identifiers: Orphanet 140162, MedGen C0027672, MeSH D009386, MONDO:0015356.
Breast-ovarian cancer, familial, susceptibility to, 2 (BROVCA2). Also called: BRCA2 Hereditary Breast and Ovarian Cancer. Identifiers: Orphanet 145, MedGen C2675520, MONDO:0012933, OMIM 612555. Disease mechanism: loss of function.
Hereditary breast ovarian cancer syndrome. Also called: BRCA1- and BRCA2-Associated Hereditary Breast and Ovarian Cancer; Hereditary breast and/or ovarian cancer syndrome; Hereditary breast and ovarian cancer; Hereditary breast and ovarian cancer syndrome (HBOC); Breast and ovarian cancer; Hereditary breast and ovarian cancer syndrome. Identifiers: Orphanet 145, MedGen C0677776, MeSH D061325, MONDO:0003582. Disease mechanism: loss of function.

Allele frequency attached by ClinVar (database versions not stated): gnomAD exomes below 0.00001.
gnomAD v4.1: 1 of 1,613,406 alleles (0.000062%); highest among the groups gnomAD compares: Non-Finnish European, 0.000085%; no homozygotes.

Submissions (4):

Ambry Genetics
Classification: Uncertain significance for Hereditary cancer-predisposing syndrome. Last evaluated: 2026-04-21. Review status: criteria provided, single submitter. Criteria: Ambry Variant Classification Scheme 2023. Collection method: clinical testing. Allele origin: germline.
Comment: The c.9648+1G>A intronic variant results from a G to A substitution one nucleotide after coding exon 25 of the BRCA2 gene. Alterations that disrupt the canonical splice site are expected to cause aberrant splicing. This nucleotide position is highly conserved in available vertebrate species. In silico splice site analysis predicts that this alteration will weaken the native splice donor site. RNA studies have demonstrated that this alteration results in a transcript predicted to lead to a protein with an in-frame deletion of 49 amino acids (Gay-Bellile M et al. Clin Genet, 2020 Apr;97:668-669; Mesman RLS et al. Genet Med, 2020 Aug;22:1355-1365; Ambry internal data), however, the exact functional impact of the deleted amino acids is unknown at this time (Ambry internal data). This variant has been detected in conjunction with a pathogenic finding in this same gene and confirmed in trans in two brothers with no reported features of Fanconi anemia (Gay-Bellile M et al. Clin Genet, 2020 Apr;97:668-669), suggesting that this allele may retain some normal BRCA2 activity. However, another study reported this alteration as non-functional, as it did not complement conditional loss of Brca2 activity in a cell viability assay performed in murine embryonic stem cells (mESCs) (Mesman RLS et al. Genet Med, 2020 Aug;22:1355-1365). Since supporting evidence is conflicting at this time, the clinical significance of this alteration remains unclear.

Labcorp Genetics (formerly Invitae), Labcorp
Classification: Likely pathogenic for Hereditary breast ovarian cancer syndrome. Last evaluated: 2025-08-25. Review status: criteria provided, single submitter. Criteria: Invitae Variant Classification Sherloc (09022015). Collection method: clinical testing. Allele origin: germline.
Comment: This sequence change affects a donor splice site in intron 26 of the BRCA2 gene. RNA analysis indicates that disruption of this splice site induces altered splicing and likely results in a shortened protein product. This variant is not present in population databases (gnomAD no frequency). Disruption of this splice site has been observed in individual(s) with colorectal cancer (PMID: 31875949). ClinVar contains an entry for this variant (Variation ID: 487418). Studies have shown that disruption of this splice site alters BRCA2 gene expression (PMID: 32398771). Variants that disrupt the consensus splice site are a relatively common cause of aberrant splicing (PMID: 17576681, 9536098). Studies have shown that disruption of this splice site results in skipping of exon 26, but is expected to preserve the integrity of the reading-frame (PMID: 31875949, 32398771). In summary, the currently available evidence indicates that the variant is pathogenic, but additional data are needed to prove that conclusively. Therefore, this variant has been classified as Likely Pathogenic.

Hereditary Cancer Laboratory, Hospital Universitario 12 de Octubre
Classification: Pathogenic for Breast-ovarian cancer, familial, susceptibility to, 2. Last evaluated: 2022-12-12. Review status: criteria provided, single submitter. Criteria: ACMG Guidelines, 2015. Collection method: clinical testing. Allele origin: unknown. Inheritance: Autosomal dominant inheritance. Affected: yes.
Comment: Additionally, functional studies performed in our laboratory conclude that c.9648+1G>A variant leads to the skipping of exon 26 of BRCA2 protein. A mouse embryonic stem cell (mESC)-based assay revealed that BRCA2 c.9648+1G>A causes exon 26 skipping (human BRCA2-containing BAC), and that in-frame exon 26 skipping does not complement removal of the conditional mBrca2 allele, supporting loss-of-function (Mesman RLS, 2020). This change is classified as pathogenic (Class 5) following the qualitative ACMG criteria since (i) it is absent in several population databases (PM2_Supporting) (ii) it is a GT-AG variant causing an in-frame alteration targeting a region critical to protein function (PVS1_O_Strong) and (iii) a well-stablished functional assay supports damage on gene product (PS3). Additionally, this change is classified as likely pathogenic (Class 4) following the quantitative ACMG point system in which PVS1_strong, PS3 and PM2_Supporting add up to 9 points (likely pathogenic: 6-9 point range). In summary, this variant meets our criteria to be classified as likely pathogenic.

Counsyl
Classification: Likely pathogenic for Breast-ovarian cancer, familial, susceptibility to, 2. Last evaluated: 2017-01-16. Review status: no assertion criteria provided. Collection method: clinical testing. Allele origin: unknown. Not counted in ClinVar's aggregate classification.

Literature cited by the submitters: PubMed 31875949 (cited by Ambry Genetics and Labcorp Genetics (formerly Invitae), Labcorp); PubMed 32398771 (cited by Ambry Genetics and Labcorp Genetics (formerly Invitae), Labcorp); PubMed 17576681 (cited by Labcorp Genetics (formerly Invitae), Labcorp); PubMed 9536098 (cited by Labcorp Genetics (formerly Invitae), Labcorp); DOI 10.1038/s41467-018-06581-8 (cited by Hereditary Cancer Laboratory, Hospital Universitario 12 de Octubre); DOI 10.1038/s41436-020-0814-5 (cited by Hereditary Cancer Laboratory, Hospital Universitario 12 de Octubre).

NM_000059.4(BRCA2):c.9648+1G>A

Gene: BRCA2 (BRCA2 DNA repair associated; plus strand). Cytogenetic location: 13q13.1.
Variant type: single nucleotide variant.
Coding change: c.9648+1G>A on transcript NM_000059.4 (MANE Select); the canonical splice donor site of the intron after coding-DNA position 9648, G replaced by A.
Molecular consequence: splice donor variant.
Genome position (GRCh38, 1-based): chr13:32,397,045, G>A. VCF-style: chr13-32397045-G-A. GRCh37 (hg19) VCF-style: chr13-32971182-G-A.
Other names: c.9597+1G>A (NM_001406720.1); c.9552+1G>A (NM_001406719.1); c.4716+1G>A (NM_001406721.1); c.3231+1G>A (NM_001406722.1).
Identifiers: ClinVar variation 487418 (VCV000487418.11), dbSNP rs730881573, ClinGen allele CA387763856.